The following is an entry in ClinVar:

NM_205836.3(FBXO38):c.92A>G (p.Asn31Ser)

Gene: FBXO38 (F-box protein 38; plus strand). Cytogenetic location: 5q32.
Variant type: single nucleotide variant.
Coding change: c.92A>G on transcript NM_205836.3 (MANE Select); coding-DNA position 92, A replaced by G.
Protein change: p.Asn31Ser; replaces asparagine 31 with serine.
Molecular consequence: missense variant.
Genome position (GRCh38, 1-based): chr5:148,394,868, A>G. VCF-style: chr5-148394868-A-G. GRCh37 (hg19) VCF-style: chr5-147774431-A-G.
Other names: c.92A>G, p.Asn31Ser (NM_001271723.2, NM_030793.5); short protein forms N31S.
Identifiers: ClinVar variation 3628083 (VCV003628083.2).
Genomic context (GRCh38, chr5:148,394,868, plus strand): 5'-GTATCATGAATAATGAAATTCCAGAAGAAATGACAGCAGATGAAACAAAGGACTATATGA[A>G]TCAACTTTCACATGAAGTACTTTGCCATATTTTTAGGTAAGATTGTGTTTGGTTGGCTTA-3'
Protein context (NP_995308.1, residues 21-41): MTADETKDYM[Asn31Ser]QLSHEVLCHI

ClinVar aggregate classification (germline): Uncertain significance (1 of 4 stars; one submission).

Conditions:
Distal hereditary motor neuropathy type 2. Identifiers: Orphanet 139525, MedGen C3711384, MeSH C580044, MONDO:0015352.

Submission:

Labcorp Genetics (formerly Invitae), Labcorp
Classification: Uncertain significance for Distal hereditary motor neuropathy type 2. Last evaluated: 2024-03-05. Review status: criteria provided, single submitter. Criteria: Invitae Variant Classification Sherloc (09022015). Collection method: clinical testing. Allele origin: germline.
Comment: This sequence change replaces asparagine, which is neutral and polar, with serine, which is neutral and polar, at codon 31 of the FBXO38 protein (p.Asn31Ser). This variant is not present in population databases (gnomAD no frequency). This variant has not been reported in the literature in individuals affected with FBXO38-related conditions. Advanced modeling of protein sequence and biophysical properties (such as structural, functional, and spatial information, amino acid conservation, physicochemical variation, residue mobility, and thermodynamic stability) performed at Invitae indicates that this missense variant is not expected to disrupt FBXO38 protein function with a negative predictive value of 80%. In summary, the available evidence is currently insufficient to determine the role of this variant in disease. Therefore, it has been classified as a Variant of Uncertain Significance.